The following is an entry in ClinVar:

NM_001048174.2(MUTYH):c.835C>G (p.Arg279Gly)

Gene: MUTYH (mutY DNA glycosylase; minus strand). Cytogenetic location: 1p34.1.
Variant type: single nucleotide variant.
Coding change: c.835C>G on transcript NM_001048174.2 (MANE Select); coding-DNA position 835, C replaced by G.
Protein change: p.Arg279Gly; replaces arginine 279 with glycine.
Molecular consequence: missense variant. On other transcripts: non-coding transcript variant (2).
Genome position (GRCh38, 1-based): chr1:45,332,180, G>C on the plus strand (C>G on the coding strand, the complement: MUTYH is on the minus strand). VCF-style: chr1-45332180-G-C. GRCh37 (hg19) VCF-style: chr1-45797852-G-C.
Other names: c.835C>G, p.Arg279Gly (NM_001048171.2, NM_001048173.2, NM_001293195.2); c.838C>G, p.Arg280Gly (NM_001048172.2); c.919C>G, p.Arg307Gly (NM_001128425.2); c.880C>G, p.Arg294Gly (NM_001293190.2); c.868C>G, p.Arg290Gly (NM_001293191.2); c.559C>G, p.Arg187Gly (NM_001293192.2, NM_001293196.2); c.490C>G, p.Arg164Gly (NM_001350650.2, NM_001350651.2); c.910C>G, p.Arg304Gly (NM_012222.3); short protein forms R164G, R279G, R290G, R294G, R187G, R280G, R304G, R307G.
Identifiers: ClinVar variation 823087 (VCV000823087.12), dbSNP rs759822330, ClinGen allele CA340134322.

ClinVar aggregate classification (germline): Uncertain significance. Review status: criteria provided, multiple submitters, no conflicts (2 of 4 stars). 3 submissions from 3 submitters: Uncertain significance (3). Last evaluated 2025-08-03.

Conditions:
Familial adenomatous polyposis 2. Also called: FAP type 2; MUTYH Polyposis; COLORECTAL ADENOMATOUS POLYPOSIS, AUTOSOMAL RECESSIVE; ADENOMAS, MULTIPLE COLORECTAL, AUTOSOMAL RECESSIVE; MUTYH-associated polyposis; MUTYH-related attenuated familial adenomatous polyposis. Identifiers: Orphanet 220460, Orphanet 247798, MedGen C3272841, MONDO:0012041, OMIM 608456.
Hereditary cancer-predisposing syndrome. Also called: Tumor predisposition; Hereditary Cancer Syndrome; Hereditary neoplastic syndrome; Neoplastic Syndromes, Hereditary. Identifiers: Orphanet 140162, MedGen C0027672, MeSH D009386, MONDO:0015356.

gnomAD v4.1: 1 of 1,614,198 alleles (0.000062%); highest among the groups gnomAD compares: African/African-American, 0.0013%; no homozygotes.

Submissions (3):

Labcorp Genetics (formerly Invitae), Labcorp
Classification: Uncertain significance for Familial adenomatous polyposis 2. Last evaluated: 2025-08-03. Review status: criteria provided, single submitter. Criteria: Invitae Variant Classification Sherloc (09022015). Collection method: clinical testing. Allele origin: germline.
Comment: This sequence change replaces arginine, which is basic and polar, with glycine, which is neutral and non-polar, at codon 307 of the MUTYH protein (p.Arg307Gly). This variant is not present in population databases (gnomAD no frequency). This variant has not been reported in the literature in individuals affected with MUTYH-related conditions. ClinVar contains an entry for this variant (Variation ID: 823087). An algorithm developed to predict the effect of missense changes on protein structure and function (PolyPhen-2) suggests that this variant is likely to be disruptive. In summary, the available evidence is currently insufficient to determine the role of this variant in disease. Therefore, it has been classified as a Variant of Uncertain Significance.

Ambry Genetics
Classification: Uncertain significance for Hereditary cancer-predisposing syndrome. Last evaluated: 2025-04-18. Review status: criteria provided, single submitter. Criteria: Ambry Variant Classification Scheme 2023. Collection method: clinical testing. Allele origin: germline.
Comment: The p.R307G variant (also known as c.919C>G), located in coding exon 10 of the MUTYH gene, results from a C to G substitution at nucleotide position 919. The arginine at codon 307 is replaced by glycine, an amino acid with dissimilar properties. This amino acid position is not well conserved in available vertebrate species. In addition, the in silico prediction for this alteration is inconclusive. Since supporting evidence is limited at this time, the clinical significance of this alteration remains unclear.

Color Diagnostics, LLC DBA Color Health
Classification: Uncertain significance for Hereditary cancer-predisposing syndrome. Last evaluated: 2019-02-06. Review status: criteria provided, single submitter. Criteria: ACMG Guidelines, 2015. Collection method: clinical testing. Allele origin: germline.